The following is an entry in ClinVar:

NM_015114.3(ANKLE2):c.2502C>T (p.Leu834=)

Gene: ANKLE2 (ankyrin repeat and LEM domain containing 2; minus strand). Cytogenetic location: 12q24.33.
Variant type: single nucleotide variant.
Coding change: c.2502C>T on transcript NM_015114.3 (MANE Select); coding-DNA position 2502, C replaced by T.
Protein change: p.Leu834=; no amino-acid change (leucine 834 retained).
Molecular consequence: synonymous variant.
Genome position (GRCh38, 1-based): chr12:132,728,145, G>A on the plus strand (C>T on the coding strand, the complement: ANKLE2 is on the minus strand). VCF-style: chr12-132728145-G-A. GRCh37 (hg19) VCF-style: chr12-133304731-G-A.
Identifiers: ClinVar variation 737629 (VCV000737629.5), dbSNP rs375883345, ClinGen allele CA6895190.

ClinVar aggregate classification (germline): Benign. Review status: criteria provided, single submitter (1 of 4 stars). 2 submissions from 2 submitters: Benign (1). 1 of the submissions does not count toward it. Last evaluated 2018-06-23.

Conditions:
ANKLE2-related disorder. Also called: ANKLE2-related condition.

Allele frequency attached by ClinVar (database versions not stated): 1000 Genomes Project 0.00020; gnomAD 0.00100; 1000 Genomes Project 30x 0.00016; TOPMed 0.00101; ESP Exome Variant Server 0.00108.
gnomAD v4.1: 278 of 1,612,658 alleles (0.017%); highest among the groups gnomAD compares: African/African-American, 0.33%; no homozygotes.

Submissions (2):

Labcorp Genetics (formerly Invitae), Labcorp
Classification: Benign. Last evaluated: 2018-06-23. Review status: criteria provided, single submitter. Criteria: Invitae Variant Classification Sherloc (09022015). Collection method: clinical testing. Allele origin: germline.

PreventionGenetics, part of Exact Sciences
Classification: Likely benign for ANKLE2-related condition. Last evaluated: 2020-01-31. Review status: no assertion criteria provided. Collection method: clinical testing. Allele origin: germline. Not counted in ClinVar's aggregate classification.
Comment: This variant is classified as likely benign based on ACMG/AMP sequence variant interpretation guidelines (Richards et al. 2015 PMID: 25741868, with internal and published modifications).